The following is an entry in ClinVar:

NC_000001.10:g.(?_205034083)_(205035624_?)del

Gene: CNTN2 (contactin 2; plus strand). Cytogenetic location: 1q32.1.
Variant type: Deletion.
Identifiers: ClinVar variation 3247832 (VCV003247832.1).

ClinVar aggregate classification (germline): Likely pathogenic (1 of 4 stars; one submission).

Conditions:
Epilepsy, familial adult myoclonic, 5 (EPEO5). Also called: CORTICAL MYOCLONIC TREMOR WITH EPILEPSY, FAMILIAL, 5. Identifiers: Orphanet 86814, MedGen C3809374, MONDO:0014167, OMIM 615400.

Submission:

Labcorp Genetics (formerly Invitae), Labcorp
Classification: Likely pathogenic for Epilepsy, familial adult myoclonic, 5. Last evaluated: 2020-09-28. Review status: criteria provided, single submitter. Criteria: Invitae Variant Classification Sherloc (09022015). Collection method: clinical testing. Allele origin: unknown.
Comment: In summary, the currently available evidence indicates that the variant is pathogenic, but additional data are needed to prove that conclusively. Therefore, this variant has been classified as Likely Pathogenic. Loss-of-function variants in CNTN2 are known to be pathogenic (PMID: 11178983, 23518707). Experimental studies and prediction algorithms are not available or were not evaluated, and the functional significance of this variant is currently unknown. This variant has not been reported in the literature in individuals with CNTN2-related conditions. This variant results in the deletion of exons 13-14 and part of exon 15 (c.1520-132_1872delinsTGAGCT) of the CNTN2 gene. It is expected to disrupt RNA splicing and likely results in an absent or disrupted protein product.

Literature cited by the submitters: PubMed 11178983; PubMed 23518707.